The following is an entry in ClinVar:

NM_032737.4(LMNB2):c.1554G>A (p.Thr518=)

Gene: LMNB2 (lamin B2; minus strand). Cytogenetic location: 19p13.3.
Variant type: single nucleotide variant.
Coding change: c.1554G>A on transcript NM_032737.4 (MANE Select); coding-DNA position 1554, G replaced by A.
Protein change: p.Thr518=; no amino-acid change (threonine 518 retained).
Molecular consequence: synonymous variant.
Genome position (GRCh38, 1-based): chr19:2,432,452, C>T on the plus strand (G>A on the coding strand, the complement: LMNB2 is on the minus strand). VCF-style: chr19-2432452-C-T. GRCh37 (hg19) VCF-style: chr19-2432450-C-T.
Other names: c.1554G>A (NM_032737.3).
Identifiers: ClinVar variation 2926502 (VCV002926502.6), dbSNP rs11882908, ClinGen allele CA9067443.
Genomic context (GRCh38, chr19:2,432,452, plus strand): 5'-TCGCCCTCCTGCCCCACCACCTACCGTGACCATCTGGCCGGCGCGCAGGATGTACTTGGG[C>T]GTGAACTTGTAGGCGATCTCCTCCCCCTCCAAGACCTGCCTCTTGATTCTCCAGTTCCCC-3'
Protein context (NP_116126.3, residues 508-528): LEGEEIAYKF[Thr518=]PKYILRAGQM

ClinVar aggregate classification (germline): Likely benign. Review status: criteria provided, multiple submitters, no conflicts (2 of 4 stars). 3 submissions from 3 submitters: Likely benign (2). 1 of the submissions does not count toward it. Last evaluated 2024-04-29.

Conditions:
LMNB2-related disorder. Also called: LMNB2-related condition.
Lipodystrophy, partial, acquired, susceptibility to (APLD). Also called: APLD, SUSCEPTIBILITY TO. Identifiers: MedGen C3887501, MONDO:0100476, OMIM 608709.
Progressive myoclonic epilepsy type 9. Identifiers: Orphanet 457265, MedGen C4225289, MONDO:0014685, OMIM 616540.

gnomAD v4.1: 15 of 1,613,476 alleles (0.00093%); highest among the groups gnomAD compares: African/African-American, 0.017%; no homozygotes.

Submissions (3):

Labcorp Genetics (formerly Invitae), Labcorp
Classification: Likely benign for Progressive myoclonic epilepsy type 9; Lipodystrophy, partial, acquired, susceptibility to. Last evaluated: 2024-04-29. Review status: criteria provided, single submitter. Criteria: Invitae Variant Classification Sherloc (09022015). Collection method: clinical testing. Allele origin: germline.

Blueprint Genetics
Classification: Likely benign. Last evaluated: 2023-02-13. Review status: criteria provided, single submitter. Criteria: ACMG Guidelines, 2015. Collection method: clinical testing. Allele origin: germline.

PreventionGenetics, part of Exact Sciences
Classification: Likely benign for LMNB2-related condition. Last evaluated: 2019-07-16. Review status: no assertion criteria provided. Collection method: clinical testing. Allele origin: germline. Not counted in ClinVar's aggregate classification.
Comment: This variant is classified as likely benign based on ACMG/AMP sequence variant interpretation guidelines (Richards et al. 2015 PMID: 25741868, with internal and published modifications).